The following is an entry in ClinVar:

NM_000352.6(ABCC8):c.496C>A (p.Gln166Lys)

Gene: ABCC8 (ATP binding cassette subfamily C member 8; minus strand). Cytogenetic location: 11p15.1.
Variant type: single nucleotide variant.
Coding change: c.496C>A on transcript NM_000352.6 (MANE Select); coding-DNA position 496, C replaced by A.
Protein change: p.Gln166Lys; replaces glutamine 166 with lysine.
Molecular consequence: missense variant. On other transcripts: non-coding transcript variant (1).
Genome position (GRCh38, 1-based): chr11:17,463,521, G>T on the plus strand (C>A on the coding strand, the complement: ABCC8 is on the minus strand). VCF-style: chr11-17463521-G-T. GRCh37 (hg19) VCF-style: chr11-17485068-G-T.
Other names: c.496C>A, p.Gln166Lys (NM_001287174.3, NM_001351295.2, NM_001351296.2 and 1 more transcripts); short protein forms Q166K.
Identifiers: ClinVar variation 1691261 (VCV001691261.2), dbSNP rs1591896370, ClinGen allele CA379780032.

ClinVar aggregate classification (germline): Uncertain significance. Review status: criteria provided, single submitter (1 of 4 stars). 2 submissions from 1 submitter: Uncertain significance (2).

Conditions:
Transitory neonatal diabetes mellitus. Also called: Transient neonatal diabetes mellitus. Identifiers: MedGen C0342273, MONDO:0020525, HP:0008255.
Maturity-onset diabetes of the young (MODY). Also called: Maturity onset diabetes mellitus in young. Identifiers: Orphanet 552, MedGen C0342276, MONDO:0018911, HP:0004904.

Allele frequency attached by ClinVar (database versions not stated): gnomAD exomes below 0.00001; gnomAD 0.00001.
gnomAD v4.1: 5 of 1,599,410 alleles (0.00031%); highest among the groups gnomAD compares: Non-Finnish European, 0.00043%; no homozygotes.

Submissions (2):

Clinical Genomics, Uppaluri K&H Personalized Medicine Clinic
Classification: Uncertain significance for Maturity-onset diabetes of the young. Review status: criteria provided, single submitter. Criteria: K & H Uppaluri Personalized Medicine Clinic Variant Classification & Assertion Criteria_Updated V.1. Collection method: research. Allele origin: unknown. Inheritance: Somatic mutation.
Comment: Mutations in ABCC8 gene are associated with both neonatal diabetes mellitus as well as MODY. Patients with this mutation may have a better response to sulfonylureas. However, no sufficient evidence is found to ascertain the role of this particular variant (rs1591896370) in MODY yet.

Clinical Genomics, Uppaluri K&H Personalized Medicine Clinic
Classification: Uncertain significance for Transitory neonatal diabetes mellitus. Review status: criteria provided, single submitter. Criteria: K & H Uppaluri Personalized Medicine Clinic Variant Classification & Assertion Criteria_Updated V.1. Collection method: research. Allele origin: unknown. Inheritance: Somatic mutation.
Comment: Mutations in ABCC8 gene are associated with both neonatal diabetes mellitus as well as MODY. Patients with this mutation may have a better response to sulfonylureas. However, no sufficient evidence is found to ascertain the role of this particular variant (rs1591896370) in neonatal diabetes yet.

Literature cited by the submitters: PubMed 16885549; PubMed 21989597; PubMed 27538677; PubMed 18981553; PubMed 32027066; PubMed 16613899; PubMed 18025408; PubMed 32792356.